The following is an entry in ClinVar:

NM_017547.4(FOXRED1):c.1102C>T (p.Gln368Ter)

Gene: FOXRED1 (FAD dependent oxidoreductase domain containing 1; plus strand). Cytogenetic location: 11q24.2.
Variant type: single nucleotide variant.
Coding change: c.1102C>T on transcript NM_017547.4 (MANE Select); coding-DNA position 1102, C replaced by T.
Protein change: p.Gln368Ter; replaces glutamine 368 with a stop codon.
Molecular consequence: nonsense. On other transcripts: non-coding transcript variant (2).
Genome position (GRCh38, 1-based): chr11:126,277,071, C>T. VCF-style: chr11-126277071-C-T. GRCh37 (hg19) VCF-style: chr11-126146966-C-T.
Other names: short protein forms Q368*.
Identifiers: ClinVar variation 504104 (VCV000504104.9), dbSNP rs1555066709, ClinGen allele CA383231093.

ClinVar aggregate classification (germline): Pathogenic/Likely pathogenic. Review status: criteria provided, multiple submitters, no conflicts (2 of 4 stars). 5 submissions from 5 submitters: Pathogenic (3); Likely pathogenic (2). Last evaluated 2024-04-04.

Conditions:
Inborn genetic diseases. Identifiers: MedGen C0950123, MeSH D030342.
Mitochondrial complex I deficiency, nuclear type 19. Also called: Mitochondrial complex 1 deficiency, nuclear type 19. Identifiers: MedGen C4748791, MONDO:0032624, OMIM 618241.
Leigh syndrome (NULS). Also called: Leigh Syndrome (mtDNA deletion); LEIGH SYNDROME, NUCLEAR; Leigh's necrotizing encephalopathy; Leigh's disease; Leigh's syndrome; Leigh Disease. Identifiers: Orphanet 506, MedGen C2931891, MONDO:0009723, OMIM 256000.

Allele frequency attached by ClinVar (database versions not stated): gnomAD 0.00001.

Submissions (5):

Fulgent Genetics
Classification: Likely pathogenic for Mitochondrial complex I deficiency, nuclear type 19. Last evaluated: 2024-04-04. Review status: criteria provided, single submitter. Criteria: ACMG Guidelines, 2015. Collection method: clinical testing. Allele origin: germline.

Women's Health and Genetics/Laboratory Corporation of America, LabCorp
Classification: Pathogenic for Leigh syndrome. Last evaluated: 2024-04-02. Review status: criteria provided, single submitter. Criteria: LabCorp Variant Classification Summary - May 2015. Collection method: clinical testing. Allele origin: germline.
Comment: Variant summary: FOXRED1 c.1102C>T (p.Gln368X) results in a premature termination codon, predicted to cause absence of the protein due to nonsense mediated decay, which is a commonly known mechanism for disease. The variant was absent in 250672 control chromosomes (gnomAD). To our knowledge, no occurrence of c.1102C>T in individuals affected with Leigh Syndrome and no experimental evidence demonstrating its impact on protein function have been reported. ClinVar contains an entry for this variant (Variation ID: 504104). Based on the evidence outlined above, the variant was classified as pathogenic.

Labcorp Genetics (formerly Invitae), Labcorp
Classification: Pathogenic. Last evaluated: 2024-02-06. Review status: criteria provided, single submitter. Criteria: Invitae Variant Classification Sherloc (09022015). Collection method: clinical testing. Allele origin: germline.
Comment: This sequence change creates a premature translational stop signal (p.Gln368*) in the FOXRED1 gene. It is expected to result in an absent or disrupted protein product. Loss-of-function variants in FOXRED1 are known to be pathogenic (PMID: 20818383, 20858599). This variant is not present in population databases (gnomAD no frequency). This variant has not been reported in the literature in individuals affected with FOXRED1-related conditions. ClinVar contains an entry for this variant (Variation ID: 504104). For these reasons, this variant has been classified as Pathogenic.

Ambry Genetics
Classification: Pathogenic for Inborn genetic diseases. Last evaluated: 2022-01-16. Review status: criteria provided, single submitter. Criteria: Ambry Variant Classification Scheme 2023. Collection method: clinical testing. Allele origin: germline.
Comment: The c.1102C>T (p.Q368*) alteration, located in exon 10 (coding exon 10) of the FOXRED1 gene, consists of a C to T substitution at nucleotide position 1102. This changes the amino acid from a glutamine (Q) to a stop codon at amino acid position 368. This alteration is expected to result in loss of function by premature protein truncation or nonsense-mediated mRNA decay. This variant was not reported in population-based cohorts in the Genome Aggregation Database (gnomAD). Based on the available evidence, this alteration is classified as pathogenic.

GeneDx
Classification: Likely pathogenic. Last evaluated: 2020-01-23. Review status: criteria provided, single submitter. Criteria: GeneDx Variant Classification Process June 2021. Collection method: clinical testing. Allele origin: germline. Affected: yes.
Comment: Nonsense variant predicted to result in protein truncation or nonsense mediated decay in a gene for which loss-of-function is a known mechanism of disease; Not observed in large population cohorts (Lek et al., 2016); Has not been previously published as pathogenic or benign to our knowledge

Literature cited by the submitters: PubMed 20818383 (cited by Labcorp Genetics (formerly Invitae), Labcorp); PubMed 20858599 (cited by Labcorp Genetics (formerly Invitae), Labcorp).